The following is an entry in ClinVar:

ClinVar aggregate classification (germline): Uncertain significance. Review status: criteria provided, multiple submitters, no conflicts (2 of 4 stars). 3 submissions from 3 submitters: Uncertain significance (3). Last evaluated 2026-02-09.

Conditions:
PKHD1-related disorder. Also called: PKHD1-related condition.
Polycystic kidney disease 4 (PKD4). Also called: POLYCYSTIC KIDNEY AND HEPATIC DISEASE 1; POLYCYSTIC KIDNEY DISEASE, INFANTILE, TYPE I; POLYCYSTIC KIDNEY DISEASE 4 WITH OR WITHOUT POLYCYSTIC LIVER DISEASE; PKD3; Autosomal Recessive Polycystic Kidney Disease – PKHD1. Identifiers: MedGen C4540575, MONDO:0033004, OMIM 263200.

Allele frequency attached by ClinVar (database versions not stated): TOPMed below 0.00001.
gnomAD v4.1: 2 of 1,610,968 alleles (0.00012%); highest among the groups gnomAD compares: Non-Finnish European, 0.00017%; no homozygotes.

Submissions (3):

PreventionGenetics, part of Exact Sciences
Classification: Uncertain significance for PKHD1-related condition. Last evaluated: 2026-02-09. Review status: criteria provided, single submitter. Criteria: ACMG Guidelines, 2015. Collection method: clinical testing. Allele origin: germline.
Comment: The PKHD1 c.6808+5G>C variant is predicted to interfere with splicing. This variant is predicted to weaken the nearby normal splice donor site signal based on available prediction algorithms (Alamut Visual Plus v1.6.1; SpliceAI, Jaganathan et al. 2019. PubMed ID: 30661751). To our knowledge, this variant has not been reported in the literature. This variant is reported in 0.0018% of alleles in individuals of European (Non-Finnish) descent in gnomAD. Although we suspect that this variant may be pathogenic, at this time, the clinical significance of this variant is uncertain due to the absence of conclusive functional and genetic evidence.

Fulgent Genetics
Classification: Uncertain significance for Polycystic kidney disease 4. Last evaluated: 2024-04-25. Review status: criteria provided, single submitter. Criteria: ACMG Guidelines, 2015. Collection method: clinical testing. Allele origin: germline.

Eurofins Ntd Llc (ga)
Classification: Uncertain significance. Last evaluated: 2013-08-19. Review status: criteria provided, single submitter. Criteria: EGL Classification Definitions 2015. Collection method: clinical testing. Allele origin: germline. Observed: 1 variant allele, 1 heterozygote.

NM_138694.4(PKHD1):c.6808+5G>C

Gene: PKHD1 (PKHD1 ciliary IPT domain containing fibrocystin/polyductin; minus strand). Cytogenetic location: 6p12.2.
Variant type: single nucleotide variant.
Coding change: c.6808+5G>C on transcript NM_138694.4 (MANE Select); 5 bases into the intron after coding-DNA position 6808, G replaced by C.
Molecular consequence: intron variant.
Genome position (GRCh38, 1-based): chr6:51,906,210, C>G on the plus strand (G>C on the coding strand, the complement: PKHD1 is on the minus strand). VCF-style: chr6-51906210-C-G. GRCh37 (hg19) VCF-style: chr6-51771008-C-G.
Other names: c.6808+5G>C (NM_170724.3).
Identifiers: ClinVar variation 96417 (VCV000096417.7), dbSNP rs398124490, ClinGen allele CA224088.
Genomic context (GRCh38, chr6:51,906,210, plus strand): 5'-AATTCATTGTGAAAAACTGTGTCCTACACAAGAATGCAGAAATTCAACAAGCTTGTTTTA[C>G]TTACCAACTAGCAGCGCATGACCTAAAATATTGTAGAATACATTACTGTCCACCTTCAGG-3'